The following is an entry in ClinVar:

NM_022552.5(DNMT3A):c.1156G>A (p.Val386Met)

Gene: DNMT3A (DNA methyltransferase 3 alpha; minus strand). Cytogenetic location: 2p23.3.
Variant type: single nucleotide variant.
Coding change: c.1156G>A on transcript NM_022552.5 (MANE Select); coding-DNA position 1156, G replaced by A.
Protein change: p.Val386Met; replaces valine 386 with methionine.
Molecular consequence: missense variant. On other transcripts: non-coding transcript variant (1).
Genome position (GRCh38, 1-based): chr2:25,246,743, C>T on the plus strand (G>A on the coding strand, the complement: DNMT3A is on the minus strand). VCF-style: chr2-25246743-C-T. GRCh37 (hg19) VCF-style: chr2-25469612-C-T.
Other names: c.1156G>A, p.Val386Met (NM_175629.2); c.700G>A, p.Val234Met (NM_001320893.1); c.487G>A, p.Val163Met (NM_001375819.1); c.589G>A, p.Val197Met (NM_153759.3); short protein forms V197M, V234M, V386M, V163M.
Identifiers: ClinVar variation 4825630 (VCV004825630.1).

ClinVar aggregate classification (germline): Uncertain significance (1 of 4 stars; one submission).

Conditions:
Inborn genetic diseases. Identifiers: MedGen C0950123, MeSH D030342.

Submission:

Ambry Genetics
Classification: Uncertain significance for Inborn genetic diseases. Last evaluated: 2026-02-15. Review status: criteria provided, single submitter. Criteria: Ambry Variant Classification Scheme 2023. Collection method: clinical testing. Allele origin: germline.
Comment: The p.V386M variant (also known as c.1156G>A), located in coding exon 9 of the DNMT3A gene, results from a G to A substitution at nucleotide position 1156. The valine at codon 386 is replaced by methionine, an amino acid with highly similar properties. This amino acid position is conserved. In addition, this alteration is predicted to be tolerated by in silico analysis. Based on the available evidence, the clinical significance of this variant remains unclear.